The following is an entry in ClinVar:

NM_000465.4(BARD1):c.2030T>G (p.Phe677Cys)

Gene: BARD1 (BRCA1 associated RING domain 1; minus strand). Cytogenetic location: 2q35.
Variant type: single nucleotide variant.
Coding change: c.2030T>G on transcript NM_000465.4 (MANE Select); coding-DNA position 2030, T replaced by G.
Protein change: p.Phe677Cys; replaces phenylalanine 677 with cysteine.
Molecular consequence: missense variant. On other transcripts: non-coding transcript variant (3).
Genome position (GRCh38, 1-based): chr2:214,728,980, A>C on the plus strand (T>G on the coding strand, the complement: BARD1 is on the minus strand). VCF-style: chr2-214728980-A-C. GRCh37 (hg19) VCF-style: chr2-215593704-A-C.
Other names: c.1973T>G, p.Phe658Cys (NM_001282543.2); c.677T>G, p.Phe226Cys (NM_001282545.2); c.620T>G, p.Phe207Cys (NM_001282548.2); c.491T>G, p.Phe164Cys (NM_001282549.2); short protein forms F164C, F226C, F658C, F207C, F677C.
Identifiers: ClinVar variation 820559 (VCV000820559.4), dbSNP rs1259167680, ClinGen allele CA350450770.

ClinVar aggregate classification (germline): Uncertain significance (1 of 4 stars; one submission).

Conditions:
Hereditary cancer-predisposing syndrome. Also called: Neoplastic Syndromes, Hereditary; Tumor predisposition; Hereditary Cancer Syndrome; Hereditary neoplastic syndrome. Identifiers: Orphanet 140162, MedGen C0027672, MeSH D009386, MONDO:0015356.

Submission:

Ambry Genetics
Classification: Uncertain significance for Hereditary cancer-predisposing syndrome. Last evaluated: 2019-06-07. Review status: criteria provided, single submitter. Criteria: Ambry Variant Classification Scheme 2023. Collection method: clinical testing. Allele origin: germline.
Comment: The p.F677C variant (also known as c.2030T>G), located in coding exon 11 of the BARD1 gene, results from a T to G substitution at nucleotide position 2030. The phenylalanine at codon 677 is replaced by cysteine, an amino acid with highly dissimilar properties. This amino acid position is highly conserved in available vertebrate species. In addition, the in silico prediction for this alteration is inconclusive. Since supporting evidence is limited at this time, the clinical significance of this alteration remains unclear.